The following is an entry in ClinVar:

ClinVar aggregate classification (germline): Likely pathogenic (1 of 4 stars; one submission).

Conditions:
Dilated cardiomyopathy 1G (CMD1G). Identifiers: Orphanet 154, MedGen C1858763, MONDO:0011400, OMIM 604145.

Submission:

MVZ Praenatalmedizin und Genetik Nuernberg
Classification: Likely pathogenic for Dilated cardiomyopathy 1G. Last evaluated: 2025-08-06. Review status: criteria provided, single submitter. Criteria: ACMG Guidelines, 2015. Collection method: clinical testing. Allele origin: germline.
Comment: The missense variant c.89618G>A or p.(Trp29873*) was detected in the TTN gene in heterozygous state. This very rare frameshift variant in exon 335 of 363 has not yet been annotated in gnomADv2/v4 or the ClinVar database, nor has it been described in the literature nor has it been described in the literature. Loss-of-function mutations in this exon are consistently classified as pathogenic or likely pathogenic in ClinVar. The variant is also located in the 100% spliced A band of the TTN protein. In summary, based on the current data, we believe that this is a likely pathogenic gene mutation.

NM_001267550.2(TTN):c.89618G>A (p.Trp29873Ter)

Genes: TTN (titin; minus strand), TTN-AS1 (TTN antisense RNA 1; plus strand). Cytogenetic location: 2q31.2.
Variant type: single nucleotide variant.
Coding change: c.89618G>A on transcript NM_001267550.2 (MANE Select); coding-DNA position 89618, G replaced by A.
Protein change: p.Trp29873Ter; replaces tryptophan 29873 with a stop codon.
Molecular consequence: nonsense.
Genome position (GRCh38, 1-based): chr2:178,553,282, C>T on the plus strand (G>A on the coding strand, the complement: TTN is on the minus strand). VCF-style: chr2-178553282-C-T. GRCh37 (hg19) VCF-style: chr2-179418009-C-T.
Other names: c.84695G>A, p.Trp28232Ter (NM_001256850.1); c.62423G>A, p.Trp20808Ter (NM_003319.4); c.81914G>A, p.Trp27305Ter (NM_133378.4); c.62798G>A, p.Trp20933Ter (NM_133432.3); c.62999G>A, p.Trp21000Ter (NM_133437.4); short protein forms W20808*, W20933*, W21000*, W27305*, W28232*, W29873*.
Identifiers: ClinVar variation 4813461 (VCV004813461.1).